The following is an entry in ClinVar:

NM_007294.4(BRCA1):c.1480C>G (p.Gln494Glu)

Gene: BRCA1 (BRCA1 DNA repair associated; minus strand). Cytogenetic location: 17q21.31.
Variant type: single nucleotide variant.
Coding change: c.1480C>G on transcript NM_007294.4 (MANE Select); coding-DNA position 1480, C replaced by G.
Protein change: p.Gln494Glu; replaces glutamine 494 with glutamic acid.
Molecular consequence: missense variant. On other transcripts: intron variant (137).
Genome position (GRCh38, 1-based): chr17:43,094,051, G>C on the plus strand (C>G on the coding strand, the complement: BRCA1 is on the minus strand). VCF-style: chr17-43094051-G-C. GRCh37 (hg19) VCF-style: chr17-41246068-G-C.
Other names: c.1480C>G, p.Gln494Glu (NM_001407652.1, NM_001407581.1, NM_001407582.1 and 30 more transcripts); c.784+693C>G (NM_001408396.1, NM_001407985.1, NM_001408397.1 and 13 more transcripts); c.548-3019C>G (NM_001408494.1); c.664+693C>G (NM_001408444.1, NM_001408438.1, NM_001408430.1 and 12 more transcripts); c.670+1795C>G (NM_001408423.1, NM_001408420.1, NM_001408419.1 and 2 more transcripts); c.787+693C>G (NM_001408472.1, NM_001407990.1, NM_007299.4 and 19 more transcripts); c.1402C>G, p.Gln468Glu (NM_001407655.1, NM_001407656.1, NM_001407653.1 and 4 more transcripts); c.1267C>G, p.Gln423Glu (NM_001407571.1, NM_001407853.1, NM_001407894.1 and 9 more transcripts); and 40 more; short protein forms Q494E, Q447E, Q198E, Q423E, Q452E, Q453E, Q326E, Q366E.
Identifiers: ClinVar variation 918686 (VCV000918686.15), dbSNP rs80357010, ClinGen allele CA10599087.

ClinVar aggregate classification (germline): Conflicting classifications of pathogenicity. Review status: criteria provided, conflicting classifications (1 of 4 stars). 3 submissions from 3 submitters: Uncertain significance (2); Likely benign (1). Last evaluated 2023-03-23.

Conditions:
Hereditary breast ovarian cancer syndrome. Also called: BRCA1- and BRCA2-Associated Hereditary Breast and Ovarian Cancer; Hereditary breast and ovarian cancer syndrome; Hereditary breast and ovarian cancer; Hereditary breast and ovarian cancer syndrome (HBOC); Breast and ovarian cancer; Hereditary breast and/or ovarian cancer syndrome. Identifiers: Orphanet 145, MedGen C0677776, MeSH D061325, MONDO:0003582. Disease mechanism: loss of function.
Hereditary cancer-predisposing syndrome. Also called: Neoplastic Syndromes, Hereditary; Tumor predisposition; Hereditary Cancer Syndrome; Hereditary neoplastic syndrome. Identifiers: Orphanet 140162, MedGen C0027672, MeSH D009386, MONDO:0015356.

Submissions (3):

University of Washington Department of Laboratory Medicine, University of Washington
Classification: Likely benign for Hereditary cancer-predisposing syndrome. Last evaluated: 2023-03-23. Review status: criteria provided, single submitter. Criteria: Dines et al. (Genet Med. 2020). Collection method: curation. Allele origin: germline.
Comment: Missense variant in a coldspot region where missense variants are very unlikely to be pathogenic (PMID:31911673).

BRCA1 coldspot (exon 11 using historical exon numbering). Reclassification based on statistical prior probability

Labcorp Genetics (formerly Invitae), Labcorp
Classification: Uncertain significance for Hereditary breast ovarian cancer syndrome. Last evaluated: 2021-01-26. Review status: criteria provided, single submitter. Criteria: Invitae Variant Classification Sherloc (09022015). Collection method: clinical testing. Allele origin: germline.
Comment: This sequence change replaces glutamine with glutamic acid at codon 494 of the BRCA1 protein (p.Gln494Glu). The glutamine residue is moderately conserved and there is a small physicochemical difference between glutamine and glutamic acid. This variant is not present in population databases (ExAC no frequency). In summary, the available evidence is currently insufficient to determine the role of this variant in disease. Therefore, it has been classified as a Variant of Uncertain Significance. Advanced modeling of protein sequence and biophysical properties (such as structural, functional, and spatial information, amino acid conservation, physicochemical variation, residue mobility, and thermodynamic stability) performed at Invitae indicates that this missense variant is not expected to disrupt BRCA1 protein function. This variant has not been reported in the literature in individuals with BRCA1-related conditions. ClinVar contains an entry for this variant (Variation ID: 918686).

Color Diagnostics, LLC DBA Color Health
Classification: Uncertain significance for Hereditary cancer-predisposing syndrome. Last evaluated: 2019-09-23. Review status: criteria provided, single submitter. Criteria: ACMG Guidelines, 2015. Collection method: clinical testing. Allele origin: germline.
Comment: This missense variant replaces glutamine with glutamic acid at codon 494 of the BRCA1 protein. Computational prediction tool is inconclusive regarding the impact of this variant on protein structure and function (internally defined REVEL score threshold 0.5 < inconclusive < 0.7, PMID: 27666373). Splice site prediction tools suggest that this variant may not impact RNA splicing. To our knowledge, functional studies have not been performed for this variant. This variant has not been reported in individuals affected with hereditary cancer in the literature. This variant has not been identified in the general population by the Genome Aggregation Database (gnomAD). The available evidence is insufficient to determine the role of this variant in disease conclusively. Therefore, this variant is classified as a Variant of Uncertain Significance.